The following is an entry in ClinVar:

ClinVar aggregate classification (germline): Uncertain significance (1 of 4 stars; one submission).

Submission:

Labcorp Genetics (formerly Invitae), Labcorp
Classification: Uncertain significance. Last evaluated: 2019-04-01. Review status: criteria provided, single submitter. Criteria: Invitae Variant Classification Sherloc (09022015). Collection method: clinical testing. Allele origin: germline.
Comment: In summary, the available evidence is currently insufficient to determine the role of this variant in disease. Therefore, it has been classified as a Variant of Uncertain Significance. Algorithms developed to predict the effect of sequence changes on RNA splicing suggest that this variant may disrupt the consensus splice site, but this prediction has not been confirmed by published transcriptional studies. This variant has not been reported in the literature in individuals with MSH3-related conditions. This variant is not present in population databases (ExAC no frequency). This sequence change falls in intron 13 of the MSH3 gene. It does not directly change the encoded amino acid sequence of the MSH3 protein.

NM_002439.5(MSH3):c.1897-7T>G

Gene: MSH3 (mutS homolog 3; plus strand). Cytogenetic location: 5q14.1.
Variant type: single nucleotide variant.
Coding change: c.1897-7T>G on transcript NM_002439.5 (MANE Select); 7 bases into the intron before coding-DNA position 1897, T replaced by G.
Molecular consequence: intron variant.
Genome position (GRCh38, 1-based): chr5:80,767,926, T>G. VCF-style: chr5-80767926-T-G. GRCh37 (hg19) VCF-style: chr5-80063745-T-G.
Identifiers: ClinVar variation 950278 (VCV000950278.9), dbSNP rs1744149501, ClinGen allele CA1139658914.
Genomic context (GRCh38, chr5:80,767,926, plus strand): 5'-AAGTCACTAATTAAACTTCATTTTCATGTATCTTATGCTATTTCATAAAAAATATTTCTA[T>G]TTTCAGTGTTCTACCCAAGAGTTCTTCTTGATTGTCAAAACTTTATATCACCTAAAGTCA-3'